The following is an entry in ClinVar:

ClinVar aggregate classification (germline): Uncertain significance (1 of 4 stars; one submission).

Conditions:
Focal segmental glomerulosclerosis 5 (FSGS5). Identifiers: Orphanet 656, MedGen C2750475, MONDO:0013191, OMIM 613237.
Charcot-Marie-Tooth disease dominant intermediate E. Also called: CHARCOT-MARIE-TOOTH NEUROPATHY WITH FOCAL SEGMENTAL GLOMERULONEPHRITIS. Identifiers: Orphanet 93114, MedGen C4302667, MONDO:0013758, OMIM 614455.

Submission:

Labcorp Genetics (formerly Invitae), Labcorp
Classification: Uncertain significance for Charcot-Marie-Tooth disease dominant intermediate E; Focal segmental glomerulosclerosis 5. Last evaluated: 2024-02-13. Review status: criteria provided, single submitter. Criteria: Invitae Variant Classification Sherloc (09022015). Collection method: clinical testing. Allele origin: germline.
Comment: This sequence change replaces arginine, which is basic and polar, with serine, which is neutral and polar, at codon 1028 of the INF2 protein (p.Arg1028Ser). This variant is not present in population databases (gnomAD no frequency). This variant has not been reported in the literature in individuals affected with INF2-related conditions. Advanced modeling of protein sequence and biophysical properties (such as structural, functional, and spatial information, amino acid conservation, physicochemical variation, residue mobility, and thermodynamic stability) performed at Invitae indicates that this missense variant is not expected to disrupt INF2 protein function with a negative predictive value of 95%. In summary, the available evidence is currently insufficient to determine the role of this variant in disease. Therefore, it has been classified as a Variant of Uncertain Significance.

NM_022489.4(INF2):c.3082C>A (p.Arg1028Ser)

Gene: INF2 (inverted formin 2; plus strand). Cytogenetic location: 14q32.33.
Variant type: single nucleotide variant.
Coding change: c.3082C>A on transcript NM_022489.4 (MANE Select); coding-DNA position 3082, C replaced by A.
Protein change: p.Arg1028Ser; replaces arginine 1028 with serine.
Molecular consequence: missense variant. On other transcripts: non-coding transcript variant (1).
Genome position (GRCh38, 1-based): chr14:104,714,244, C>A. VCF-style: chr14-104714244-C-A. GRCh37 (hg19) VCF-style: chr14-105180581-C-A.
Other names: c.3082C>A, p.Arg1028Ser (NM_001031714.4, NM_001426862.1, NM_001426863.1 and 2 more transcripts); short protein forms R1028S.
Identifiers: ClinVar variation 3761323 (VCV003761323.2).